The following is an entry in ClinVar:

NM_004320.6(ATP2A1):c.118+21C>A

Gene: ATP2A1 (ATPase sarcoplasmic/endoplasmic reticulum Ca2+ transporting 1; plus strand). Cytogenetic location: 16p11.2.
Variant type: single nucleotide variant.
Coding change: c.118+21C>A on transcript NM_004320.6 (MANE Select); 21 bases into the intron after coding-DNA position 118, C replaced by A.
Molecular consequence: intron variant.
Genome position (GRCh38, 1-based): chr16:28,878,810, C>A. VCF-style: chr16-28878810-C-A. GRCh37 (hg19) VCF-style: chr16-28890131-C-A.
Other names: c.118+21C>A (NM_173201.5).
Identifiers: ClinVar variation 678078 (VCV000678078.2), dbSNP rs62037371, ClinGen allele CA7986497.

ClinVar aggregate classification (germline): Benign. Review status: criteria provided, multiple submitters, no conflicts (2 of 4 stars). 2 submissions from 2 submitters: Benign (2). Last evaluated 2018-06-19.

Allele frequency attached by ClinVar (database versions not stated): 1000 Genomes Project 0.26138; 1000 Genomes Project 30x 0.26749; TOPMed 0.33882; gnomAD 0.34226 and 0.34755; ESP Exome Variant Server 0.34408; ExAC 0.34538; gnomAD exomes 0.35045.
gnomAD v4.1: 599,425 of 1,609,342 alleles (37%); highest among the groups gnomAD compares: Admixed American, 47%; 116,562 homozygotes.

Submissions (2):

GeneDx
Classification: Benign. Last evaluated: 2018-06-19. Review status: criteria provided, single submitter. Criteria: GeneDx Variant Classification (06012015). Collection method: clinical testing. Allele origin: germline. Affected: yes.
Comment: This variant is considered likely benign or benign based on one or more of the following criteria: it is a conservative change, it occurs at a poorly conserved position in the protein, it is predicted to be benign by multiple in silico algorithms, and/or has population frequency not consistent with disease.

Breakthrough Genomics
Classification: Benign. Review status: criteria provided, single submitter. Criteria: ACMG Guidelines, 2015. Collection method: not provided. Allele origin: germline. Inheritance: Autosomal recessive inheritance. Affected: yes.